The following is an entry in ClinVar:

NM_001374353.1(GLI2):c.2987C>G (p.Pro996Arg)

Gene: GLI2 (GLI family zinc finger 2; plus strand). Cytogenetic location: 2q14.2.
Variant type: single nucleotide variant.
Coding change: c.2987C>G on transcript NM_001374353.1 (MANE Select); coding-DNA position 2987, C replaced by G.
Protein change: p.Pro996Arg; replaces proline 996 with arginine.
Molecular consequence: missense variant.
Genome position (GRCh38, 1-based): chr2:120,988,952, C>G. VCF-style: chr2-120988952-C-G. GRCh37 (hg19) VCF-style: chr2-121746528-C-G.
Other names: c.3038C>G, p.Pro1013Arg (NM_001371271.1, NM_005270.5); c.2612C>G, p.Pro871Arg (NM_001374354.1); short protein forms P871R, P996R, P1013R.
Identifiers: ClinVar variation 718268 (VCV000718268.9), dbSNP rs780303555, ClinGen allele CA1852294.

ClinVar aggregate classification (germline): Conflicting classifications of pathogenicity. Review status: criteria provided, conflicting classifications (1 of 4 stars). 2 submissions from 2 submitters: Uncertain significance (1); Likely benign (1). Last evaluated 2024-10-25.

Conditions:
Holoprosencephaly 9 (HPE9). Also called: PITUITARY ANOMALIES WITH HOLOPROSENCEPHALY-LIKE FEATURES; HOLOPROSENCEPHALY WITH MICROPHTHALMIA AND FIRST BRANCHIAL ARCH ANOMALIES. Identifiers: Orphanet 2162, MedGen C1835819, MONDO:0012563, OMIM 610829.
Postaxial polydactyly-anterior pituitary anomalies-facial dysmorphism syndrome. Also called: Culler-Jones syndrome. Identifiers: Orphanet 420584, MedGen C4014479, MONDO:0014369, OMIM 615849.
GLI2-related disorder. Also called: GLI2-related disorders; GLI2-related condition.

Allele frequency attached by ClinVar (database versions not stated): ExAC below 0.00001; TOPMed 0.00006; gnomAD 0.00008.
gnomAD v4.1: 172 of 1,537,374 alleles (0.011%); highest among the groups gnomAD compares: Non-Finnish European, 0.014%; no homozygotes.

Submissions (2):

PreventionGenetics, part of Exact Sciences
Classification: Uncertain significance for GLI2-related condition. Last evaluated: 2024-10-25. Review status: criteria provided, single submitter. Criteria: ACMG Guidelines, 2015. Collection method: clinical testing. Allele origin: germline.
Comment: The GLI2 c.3038C>G variant is predicted to result in the amino acid substitution p.Pro1013Arg. To our knowledge, this variant has not been reported in the literature. This variant is reported in 0.0088% of alleles in individuals of European (Non-Finnish) descent in gnomAD. At this time, the clinical significance of this variant is uncertain due to the absence of conclusive functional and genetic evidence.

Labcorp Genetics (formerly Invitae), Labcorp
Classification: Likely benign for Postaxial polydactyly-anterior pituitary anomalies-facial dysmorphism syndrome; Holoprosencephaly 9. Last evaluated: 2022-08-22. Review status: criteria provided, single submitter. Criteria: Invitae Variant Classification Sherloc (09022015). Collection method: clinical testing. Allele origin: germline.